The following is an entry in ClinVar:

NM_001042750.2(STAG2):c.310G>C (p.Glu104Gln)

Gene: STAG2 (STAG2 cohesin complex component; plus strand). Cytogenetic location: Xq25.
Variant type: single nucleotide variant.
Coding change: c.310G>C on transcript NM_001042750.2 (MANE Select); coding-DNA position 310, G replaced by C.
Protein change: p.Glu104Gln; replaces glutamic acid 104 with glutamine.
Molecular consequence: missense variant.
Genome position (GRCh38, 1-based): chrX:124,037,548, G>C. VCF-style: chrX-124037548-G-C. GRCh37 (hg19) VCF-style: chrX-123171398-G-C.
Other names: c.310G>C, p.Glu104Gln (NM_001042749.2, NM_001042751.2, NM_001282418.2 and 13 more transcripts); short protein forms E104Q.
Identifiers: ClinVar variation 1716806 (VCV001716806.5), dbSNP rs2520917352, ClinGen allele CA414273136.
Genomic context (GRCh38, chrX:124,037,548, plus strand): 5'-GAAGAAGCTAATGATTTTATTTTTTTCCCTCTGCTGTAGTCGGTGGTAGATGATTGGATA[G>C]AATCATACAAGCATGACCGAGATATAGCACTTCTTGACCTTATCAACTTTTTTATTCAGT-3'
Protein context (NP_001036215.1, residues 94-114): AMQSVVDDWI[Glu104Gln]SYKHDRDIAL

ClinVar aggregate classification (germline): Uncertain significance (1 of 4 stars; one submission).

Submission:

Labcorp Genetics (formerly Invitae), Labcorp
Classification: Uncertain significance. Last evaluated: 2022-07-17. Review status: criteria provided, single submitter. Criteria: Invitae Variant Classification Sherloc (09022015). Collection method: clinical testing. Allele origin: germline.
Comment: In summary, the available evidence is currently insufficient to determine the role of this variant in disease. Therefore, it has been classified as a Variant of Uncertain Significance. Algorithms developed to predict the effect of missense changes on protein structure and function (SIFT, PolyPhen-2, Align-GVGD) all suggest that this variant is likely to be tolerated. This variant has not been reported in the literature in individuals affected with STAG2-related conditions. This variant is not present in population databases (gnomAD no frequency). This sequence change replaces glutamic acid, which is acidic and polar, with glutamine, which is neutral and polar, at codon 104 of the STAG2 protein (p.Glu104Gln).